The following is an entry in ClinVar:

ClinVar aggregate classification (germline): Pathogenic (1 of 4 stars; one submission).

Conditions:
Hereditary cancer-predisposing syndrome. Also called: Neoplastic Syndromes, Hereditary; Tumor predisposition; Hereditary Cancer Syndrome; Hereditary neoplastic syndrome. Identifiers: Orphanet 140162, MedGen C0027672, MeSH D009386, MONDO:0015356.

Allele frequency attached by ClinVar (database versions not stated): gnomAD exomes below 0.00001.

Submission:

Ambry Genetics
Classification: Pathogenic for Hereditary cancer-predisposing syndrome. Last evaluated: 2020-03-26. Review status: criteria provided, single submitter. Criteria: Ambry Variant Classification Scheme 2023. Collection method: clinical testing. Allele origin: germline.
Comment: The c.3969_3982dup14 variant, located in coding exon 9 of the MSH6 gene, results from a duplication of TGAGAAGATGAATC at nucleotide position 3969, causing a translational frameshift with a predicted alternate stop codon (p.Q1328Lfs*4). This alteration is expected to result in loss of function by premature protein truncation. As such, this alteration is interpreted as a disease-causing mutation.

NM_000179.3(MSH6):c.3969_3982dup (p.Gln1328delinsLeuArgArgTer)

Gene: MSH6 (mutS homolog 6; plus strand). Cytogenetic location: 2p16.3.
Variant type: Duplication.
Coding change: c.3969_3982dup on transcript NM_000179.3 (MANE Select); coding-DNA positions 3969 to 3982, 14 bases duplicated (TGAGAAGATGAATC).
Protein change: p.Gln1328delinsLeuArgArgTer.
Molecular consequence: nonsense. On other transcripts: frameshift variant (38).
Genome position (GRCh38, 1-based): chr2:47,806,619-47,806,632, TGAGAAGATGAATC duplicated. VCF-style (leftmost placement, unchanged base first): chr2-47806618-T-TTGAGAAGATGAATC. GRCh37 (hg19) VCF-style: chr2-48033757-T-TTGAGAAGATGAATC.
Other names: c.3579_3592dup, p.Gln1198delinsLeuArgArgTer (NM_001281492.2); c.3063_3076dup, p.Gln1026delinsLeuArgArgTer (NM_001281493.2, NM_001281494.2); c.4065_4078dup, p.Gln1360Leufs (NM_001406795.1); c.3969_3982dup, p.Gln1328Leufs (NM_001406796.1, NM_001406808.1, NM_001406809.1); c.3672_3685dup, p.Gln1229Leufs (NM_001406797.1, NM_001406801.1, NM_001406805.1 and 10 more transcripts); c.3795_3808dup, p.Gln1270Leufs (NM_001406798.1); c.3444_3457dup, p.Gln1153Leufs (NM_001406799.1, NM_001406806.1, NM_001406807.1); c.3956_*3dup, p.Leu1319_Ter(1322_?)(?) (NM_001406800.1); and 10 more.
Identifiers: ClinVar variation 1736577 (VCV001736577.2), dbSNP rs2530876670, ClinGen allele CA2580067522.